The following is an entry in ClinVar:

NM_020163.3(SEMA3G):c.1149dup (p.Ser384fs)

Gene: SEMA3G (semaphorin 3G; minus strand). Cytogenetic location: 3p21.1.
Variant type: Duplication.
Coding change: c.1149dup on transcript NM_020163.3 (MANE Select); coding-DNA position 1149, one base duplicated (C; older notation c.1149dupC).
Protein change: p.Ser384fs; shifts the reading frame from serine 384.
Molecular consequence: frameshift variant.
Genome position (GRCh38, 1-based): chr3:52,440,093, G duplicated on the plus strand (C on the coding strand, the reverse complement: SEMA3G is on the minus strand); the first of 4 consecutive G bases (chr3:52,440,093-52,440,096); duplicating any one gives the same sequence. VCF-style (leftmost placement, unchanged base first): chr3-52440092-T-TG. GRCh37 (hg19) VCF-style: chr3-52474108-T-TG.
Other names: short protein forms S384fs.
Identifiers: ClinVar variation 4991582 (VCV004991582.1).
Genomic context (GRCh38, chr3:52,440,092, plus strand): 5'-CCTCATCTGGGTAGTCCTTGGTGCTGCCAAAAGGCCGTCCTGGCTGTGCGGTCATCTTGC[T>TG]GGGGCACTGTGGGCAGCAGGGAAGGGAGTGCCTGAAGTATCCTGAGACAGCACACACCCT-3'

ClinVar aggregate classification (germline): Uncertain significance (1 of 4 stars; one submission).

Conditions:
SEMA3G-related disorder. Also called: SEMA3G-related condition.

Submission:

PreventionGenetics, part of Exact Sciences
Classification: Uncertain significance for SEMA3G-related condition. Last evaluated: 2026-09-20. Review status: criteria provided, single submitter. Criteria: ACMG Guidelines, 2015. Collection method: clinical testing. Allele origin: germline.
Comment: The SEMA3G c.1149dupC variant is predicted to result in a frameshift and premature protein termination (p.Ser384Glnfs*20). To our knowledge, this variant has not been reported in the literature or in a large population database (gnomAD), indicating this variant is rare. At this time, the clinical significance of this variant is uncertain due to the absence of conclusive functional and genetic evidence.